The following is an entry in ClinVar:

NM_000268.4(NF2):c.1616T>C (p.Leu539Pro)

Gene: NF2 (NF2, moesin-ezrin-radixin like (MERLIN) tumor suppressor; plus strand). Cytogenetic location: 22q12.2.
Variant type: single nucleotide variant.
Coding change: c.1616T>C on transcript NM_000268.4 (MANE Select); coding-DNA position 1616, T replaced by C.
Protein change: p.Leu539Pro; replaces leucine 539 with proline.
Molecular consequence: missense variant. On other transcripts: non-coding transcript variant (1), intron variant (1).
Genome position (GRCh38, 1-based): chr22:29,681,480, T>C. VCF-style: chr22-29681480-T-C. GRCh37 (hg19) VCF-style: chr22-30077469-T-C.
Other names: c.1616T>C, p.Leu539Pro (NM_016418.5, NM_181825.3, NM_181832.3); c.1490T>C, p.Leu497Pro (NM_181828.3); c.1493T>C, p.Leu498Pro (NM_181829.3); c.1367T>C, p.Leu456Pro (NM_181830.3, NM_181831.3); c.448-13272T>C (NM_181833.3); short protein forms L497P, L539P, L456P, L498P.
Identifiers: ClinVar variation 1476320 (VCV001476320.1), dbSNP rs2147122672, ClinGen allele CA411150084.

ClinVar aggregate classification (germline): Uncertain significance (1 of 4 stars; one submission).

Conditions:
Neurofibromatosis, type 2 (SWNV). Also called: BILATERAL ACOUSTIC NEUROFIBROMATOSIS; SCHWANNOMATOSIS, VESTIBULAR; NF2-Related Schwannomatosis. Identifiers: Orphanet 637, MedGen C0027832, MONDO:0007039, OMIM 101000. Disease mechanism: loss of function.

Submission:

Labcorp Genetics (formerly Invitae), Labcorp
Classification: Uncertain significance for Neurofibromatosis, type 2. Last evaluated: 2021-09-19. Review status: criteria provided, single submitter. Criteria: Invitae Variant Classification Sherloc (09022015). Collection method: clinical testing. Allele origin: germline.
Comment: This sequence change replaces leucine with proline at codon 539 of the NF2 protein (p.Leu539Pro). The leucine residue is highly conserved and there is a moderate physicochemical difference between leucine and proline. This variant is not present in population databases (ExAC no frequency). This missense change has been observed in individual(s) with clinical features of neurofibromatosis type 2 (Invitae). Algorithms developed to predict the effect of missense changes on protein structure and function are either unavailable or do not agree on the potential impact of this missense change (SIFT: "Deleterious"; PolyPhen-2: "Probably Damaging"; Align-GVGD: "Class C0"). This variant disrupts the p.Leu539 amino acid residue in NF2. Other variant(s) that disrupt this residue have been observed in individuals with NF2-related conditions (PMID: 8698340), which suggests that this may be a clinically significant amino acid residue. In summary, the available evidence is currently insufficient to determine the role of this variant in disease. Therefore, it has been classified as a Variant of Uncertain Significance.

Literature cited by the submitters: PubMed 8698340.